The following is an entry in ClinVar:

ClinVar aggregate classification (germline): Uncertain significance (1 of 4 stars; one submission).

Allele frequency attached by ClinVar (database versions not stated): TOPMed below 0.00001.
gnomAD v4.1: 1 of 1,614,142 alleles (0.000062%); highest among the groups gnomAD compares: Non-Finnish European, 0.000085%; no homozygotes.

Submission:

Labcorp Genetics (formerly Invitae), Labcorp
Classification: Uncertain significance. Last evaluated: 2025-10-09. Review status: criteria provided, single submitter. Criteria: Invitae Variant Classification Sherloc (09022015). Collection method: clinical testing. Allele origin: germline.
Comment: This sequence change replaces proline, which is neutral and non-polar, with alanine, which is neutral and non-polar, at codon 628 of the SRP72 protein (p.Pro628Ala). This variant is not present in population databases (gnomAD no frequency). This variant has not been reported in the literature in individuals affected with SRP72-related conditions. ClinVar contains an entry for this variant (Variation ID: 2793970). Invitae Evidence Modeling of protein sequence and biophysical properties (such as structural, functional, and spatial information, amino acid conservation, physicochemical variation, residue mobility, and thermodynamic stability) indicates that this missense variant is not expected to disrupt SRP72 protein function with a negative predictive value of 80%. In summary, the available evidence is currently insufficient to determine the role of this variant in disease. Therefore, it has been classified as a Variant of Uncertain Significance.

NM_006947.4(SRP72):c.1882C>G (p.Pro628Ala)

Gene: SRP72 (signal recognition particle 72; plus strand). Cytogenetic location: 4q12.
Variant type: single nucleotide variant.
Coding change: c.1882C>G on transcript NM_006947.4 (MANE Select); coding-DNA position 1882, C replaced by G.
Protein change: p.Pro628Ala; replaces proline 628 with alanine.
Molecular consequence: missense variant. On other transcripts: non-coding transcript variant (1).
Genome position (GRCh38, 1-based): chr4:56,501,727, C>G. VCF-style: chr4-56501727-C-G. GRCh37 (hg19) VCF-style: chr4-57367893-C-G.
Other names: c.1699C>G, p.Pro567Ala (NM_001267722.2); short protein forms P628A, P567A.
Identifiers: ClinVar variation 2793970 (VCV002793970.3), dbSNP rs779372565, ClinGen allele CA357003545.
Genomic context (GRCh38, chr4:56,501,727, plus strand): 5'-TGATCTGATGATTTCAGGGATGCCAGTAAAACTGTGAGCAGCCCACCCACCTCCCCAAGA[C>G]CTGGCAGTGCTGCAACAGTATCTGCCTCTACAAGTAACATCATACCCCCAAGACACCAGA-3'
Protein context (NP_008878.3, residues 618-638): TVSSPPTSPR[Pro628Ala]GSAATVSAST